The following is an entry in ClinVar:

ClinVar aggregate classification (germline): Uncertain significance. Review status: criteria provided, multiple submitters, no conflicts (2 of 4 stars). 3 submissions from 3 submitters: Uncertain significance (3). Last evaluated 2025-12-17.

Conditions:
Catecholaminergic polymorphic ventricular tachycardia (CVPT). Also called: Catecholamine-induced polymorphic ventricular tachycardia. Identifiers: Orphanet 3286, MedGen C5574922, MONDO:0017990.
Catecholaminergic polymorphic ventricular tachycardia 1. Also called: VENTRICULAR TACHYCARDIA, CATECHOLAMINERGIC POLYMORPHIC, 1, WITH OR WITHOUT ATRIAL DYSFUNCTION AND/OR DILATED CARDIOMYOPATHY; RYR2-Related Catecholaminergic Polymorphic Ventricular Tachycardia; VENTRICULAR TACHYCARDIA, STRESS-INDUCED POLYMORPHIC 1. Identifiers: Orphanet 3286, MedGen C1631597, MONDO:0011484, OMIM 604772.
Cardiomyopathy (CMYO). Also called: Cardiomyopathies. Identifiers: Orphanet 167848, MedGen C0878544, MONDO:0004994, HP:0001638. Inheritance: Various modes of inheritance.

Allele frequency attached by ClinVar (database versions not stated): gnomAD exomes below 0.00001; gnomAD 0.00001; TOPMed 0.00001.
gnomAD v4.1: 6 of 1,563,412 alleles (0.00038%); highest among the groups gnomAD compares: South Asian, 0.0012%; no homozygotes.

Submissions (3):

Labcorp Genetics (formerly Invitae), Labcorp
Classification: Uncertain significance for Catecholaminergic polymorphic ventricular tachycardia 1. Last evaluated: 2025-12-17. Review status: criteria provided, single submitter. Criteria: Invitae Variant Classification Sherloc (09022015). Collection method: clinical testing. Allele origin: germline.
Comment: This sequence change replaces isoleucine, which is neutral and non-polar, with threonine, which is neutral and polar, at codon 3965 of the RYR2 protein (p.Ile3965Thr). This variant is not present in population databases (gnomAD no frequency). This variant has not been reported in the literature in individuals affected with RYR2-related conditions. ClinVar contains an entry for this variant (Variation ID: 923679). Invitae Evidence Modeling of protein sequence and biophysical properties (such as structural, functional, and spatial information, amino acid conservation, physicochemical variation, residue mobility, and thermodynamic stability) indicates that this missense variant is expected to disrupt RYR2 protein function with a positive predictive value of 95%. In summary, the available evidence is currently insufficient to determine the role of this variant in disease. Therefore, it has been classified as a Variant of Uncertain Significance.

Color Diagnostics, LLC DBA Color Health
Classification: Uncertain significance for Cardiomyopathy. Last evaluated: 2024-10-29. Review status: criteria provided, single submitter. Criteria: ACMG Guidelines, 2015. Collection method: clinical testing. Allele origin: germline.
Comment: This variant replaces isoleucine with threonine at codon 3965 in the RYR2 protein. Computational prediction suggests that this variant may have deleterious impact on protein structure and function. To our knowledge, functional studies have not been reported for this variant. This variant has not been reported in individuals affected with cardiovascular disorders in the literature. This variant has not been identified in the general population by the Genome Aggregation Database (gnomAD). The available evidence is insufficient to determine the role of this variant in disease conclusively. Therefore, this variant is classified as a Variant of Uncertain Significance.

All of Us Research Program, National Institutes of Health
Classification: Uncertain significance for Catecholaminergic polymorphic ventricular tachycardia. Last evaluated: 2024-05-09. Review status: criteria provided, single submitter. Criteria: ACMG Guidelines, 2015. Collection method: clinical testing. Allele origin: germline. Inheritance: Autosomal dominant inheritance. Observed: 2 variant alleles, 2 heterozygotes.
Comment: This variant is located in the RYR2 protein. Computational prediction suggests that this variant may have deleterious impact on protein structure and function (internally defined REVEL score threshold >= 0.7, PMID: 27666373). To our knowledge, functional studies have not been reported for this variant. This variant has not been reported in individuals affected with cardiovascular disorders in the literature. This variant has not been identified in the general population by the Genome Aggregation Database (gnomAD). The available evidence is insufficient to determine the role of this variant in disease conclusively. Therefore, this variant is classified as a Variant of Uncertain Significance.

This study involves interpretation of variants in research participants for the purpose of population health screening. Participant phenotype was not available at the time of variant classification. Additional details can be found in publication PMID: 35346344, PMCID: PMC8962531

NM_001035.3(RYR2):c.11894T>C (p.Ile3965Thr)

Gene: RYR2 (ryanodine receptor 2; plus strand). Cytogenetic location: 1q43.
Variant type: single nucleotide variant.
Coding change: c.11894T>C on transcript NM_001035.3 (MANE Select); coding-DNA position 11894, T replaced by C.
Protein change: p.Ile3965Thr; replaces isoleucine 3965 with threonine.
Molecular consequence: missense variant.
Genome position (GRCh38, 1-based): chr1:237,781,578, T>C. VCF-style: chr1-237781578-T-C. GRCh37 (hg19) VCF-style: chr1-237944878-T-C.
Other names: short protein forms I3965T.
Identifiers: ClinVar variation 923679 (VCV000923679.16), dbSNP rs1272734214, ClinGen allele CA345410055.